The following is an entry in ClinVar:

ClinVar aggregate classification (germline): Pathogenic. Review status: reviewed by expert panel (3 of 4 stars). 2 submissions from 2 submitters: Pathogenic (1). 1 of the submissions does not count toward it. Last evaluated 2016-10-18.

Conditions:
Breast-ovarian cancer, familial, susceptibility to, 1 (BROVCA1). Also called: BRCA1 Hereditary Breast and Ovarian Cancer; OVARIAN CANCER, SUSCEPTIBILITY TO. Identifiers: Orphanet 145, MedGen C2676676, MONDO:0011450, OMIM 604370. Disease mechanism: loss of function.

Submissions (2):

Evidence-based Network for the Interpretation of Germline Mutant Alleles (ENIGMA)
Classification: Pathogenic for Breast-ovarian cancer, familial, susceptibility to, 1. Last evaluated: 2016-10-18. Review status: reviewed by expert panel. Criteria: ENIGMA BRCA1/2 Classification Criteria (2015). Collection method: curation. Allele origin: germline.
Comment: Variant allele predicted to encode a truncated non-functional protein.

Consortium of Investigators of Modifiers of BRCA1/2 (CIMBA), c/o University of Cambridge
Classification: Pathogenic for Breast-ovarian cancer, familial, susceptibility to, 1. Last evaluated: 2015-10-02. Review status: criteria provided, single submitter. Criteria: CIMBA Mutation Classification guidelines May 2016. Collection method: clinical testing. Allele origin: germline. Not counted in ClinVar's aggregate classification.

NM_007294.4(BRCA1):c.815_816insTCCATGTGGA (p.Glu272fs)

Gene: BRCA1 (BRCA1 DNA repair associated; minus strand). Cytogenetic location: 17q21.31.
Variant type: Insertion.
Coding change: c.815_816insTCCATGTGGA on transcript NM_007294.4 (MANE Select); coding-DNA positions 815 to 816, TCCATGTGGA inserted.
Protein change: p.Glu272fs; shifts the reading frame from glutamic acid 272.
Molecular consequence: frameshift variant. On other transcripts: intron variant (137), 5 prime UTR variant (2).
Genome position: GRCh38 VCF-style: chr17-43094715-C-CTCCACATGGA. GRCh37 (hg19) VCF-style: chr17-41246732-C-CTCCACATGGA.
Other names: 0926ins10-ter293; c.815_816insTCCATGTGGA, p.Glu272fs (NM_007294.3, NM_007300.4, NM_001407581.1 and 31 more transcripts); c.577+28_577+29insCATGTGGATC (NM_001408483.1, NM_001408481.1, NM_001408480.1 and 9 more transcripts); c.664+28_664+29insCATGTGGATC (NM_001408442.1, NM_001408426.1, NM_001408436.1 and 12 more transcripts); c.787+28_787+29insCATGTGGATC (NM_001407982.1, NM_001407970.1, NM_001407980.1 and 19 more transcripts); c.671_672insTCCATGTGGA, p.Glu224fs (NM_001407943.1, NM_001407964.1, NM_001407740.1 and 20 more transcripts); c.674_675insTCCATGTGGA, p.Glu225fs (NM_001407944.1, NM_001407945.1, NM_007297.4 and 29 more transcripts); c.482_483insTCCATGTGGA, p.Glu161fs (NM_001407946.1, NM_001407947.1, NM_001407948.1 and 6 more transcripts); and 41 more; short protein forms E272fs, E225fs, E145fs, E183fs, E204fs, E205fs, E246fs, E104fs.
Identifiers: ClinVar variation 266582 (VCV000266582.6), dbSNP rs886040322, ClinGen allele CA10589991.